The following is an entry in ClinVar:

NM_002691.4(POLD1):c.2599G>A (p.Val867Ile)

Gene: POLD1 (DNA polymerase delta 1, catalytic subunit; plus strand). Cytogenetic location: 19q13.33.
Variant type: single nucleotide variant.
Coding change: c.2599G>A on transcript NM_002691.4 (MANE Select); coding-DNA position 2599, G replaced by A.
Protein change: p.Val867Ile; replaces valine 867 with isoleucine.
Molecular consequence: missense variant. On other transcripts: non-coding transcript variant (1).
Genome position (GRCh38, 1-based): chr19:50,415,472, G>A. VCF-style: chr19-50415472-G-A. GRCh37 (hg19) VCF-style: chr19-50918729-G-A.
Other names: c.2599G>A, p.Val867Ile (NM_001256849.1); c.2677G>A, p.Val893Ile (NM_001308632.1); c.2599G>A (NM_002691.2); short protein forms V867I, V893I.
Identifiers: ClinVar variation 414782 (VCV000414782.40), dbSNP rs367680864, ClinGen allele CA9596597.

ClinVar aggregate classification (germline): Conflicting classifications of pathogenicity. Review status: criteria provided, conflicting classifications (1 of 4 stars). 12 submissions from 12 submitters: Uncertain significance (2); Benign (1); Likely benign (5). 4 of the submissions do not count toward it. Last evaluated 2026-02-03.

Conditions:
POLD1-related disorder. Also called: POLD1-related condition; POLD1-related disorders.
Hereditary cancer-predisposing syndrome. Also called: Tumor predisposition; Hereditary neoplastic syndrome; Hereditary Cancer Syndrome; Neoplastic Syndromes, Hereditary. Identifiers: Orphanet 140162, MedGen C0027672, MeSH D009386, MONDO:0015356.
POLD1-related polyposis and colorectal cancer syndrome (CRCS10). Also called: COLORECTAL CANCER, SUSCEPTIBILITY TO, ON CHROMOSOME 19q; Colorectal cancer 10; Colorectal cancer, susceptibility to, 10. Identifiers: Orphanet 220460, MedGen C2675481, MONDO:0012953, OMIM 612591.
Malignant tumor of breast. Also called: Malignant breast neoplasm; Cancer breast. Identifiers: MedGen C0006142, MONDO:0007254. Disease mechanism: loss of function.

Allele frequency attached by ClinVar (database versions not stated): gnomAD 0.00001 and 0.00013; TOPMed 0.00004; ESP Exome Variant Server 0.00008; 1000 Genomes Project 30x 0.00031; 1000 Genomes Project 0.00040; gnomAD exomes 0.00049; ExAC 0.00050.
gnomAD v4.1: 386 of 1,613,134 alleles (0.024%); highest among the groups gnomAD compares: South Asian, 0.36%; 2 homozygotes.

Submissions (12):

Labcorp Genetics (formerly Invitae), Labcorp
Classification: Benign for POLD1-related polyposis and colorectal cancer syndrome. Last evaluated: 2026-02-03. Review status: criteria provided, single submitter. Criteria: Invitae Variant Classification Sherloc (09022015). Collection method: clinical testing. Allele origin: germline.

Dasa
Classification: Likely benign. Last evaluated: 2025-12-08. Review status: criteria provided, single submitter. Criteria: DASA Assertion Criteria. Collection method: clinical testing. Allele origin: germline.
Comment: NM_002691.4(POLD1):c.2599G>A (p.Val867Ile) is a missense variant that results in the substitution of valine with isoleucine. Population frequency is inconsistent with a disease-causing role for this variant. Computational prediction algorithms are consistent with a benign effect. Therefore, based on the currently available evidence, this variant is classified as likely benign.

CeGaT Center for Human Genetics Tuebingen
Classification: Likely benign. Last evaluated: 2025-05-01. Review status: criteria provided, single submitter. Criteria: CeGaT Center For Human Genetics Tuebingen Variant Classification Criteria Version 2. Collection method: clinical testing. Allele origin: germline. Affected: yes. Observed: 1 variant allele.
Comment: POLD1: BS1

Center for Genomic Medicine, Rigshospitalet, Copenhagen University Hospital
Classification: Uncertain significance. Last evaluated: 2025-03-04. Review status: criteria provided, single submitter. Criteria: ACMG Guidelines, 2015. Collection method: clinical testing. Allele origin: germline.

Blueprint Genetics
Classification: Likely benign. Last evaluated: 2024-09-03. Review status: criteria provided, single submitter. Criteria: ACMG Guidelines, 2015. Collection method: clinical testing. Allele origin: germline.

Ambry Genetics
Classification: Likely benign for Hereditary cancer-predisposing syndrome. Last evaluated: 2022-11-20. Review status: criteria provided, single submitter. Criteria: Ambry Variant Classification Scheme 2023. Collection method: clinical testing. Allele origin: germline.

GeneDx
Classification: Likely benign. Last evaluated: 2021-04-26. Review status: criteria provided, single submitter. Criteria: GeneDx Variant Classification Process June 2021. Collection method: clinical testing. Allele origin: germline. Affected: yes.

Quest Diagnostics Nichols Institute San Juan Capistrano
Classification: Uncertain significance. Last evaluated: 2016-09-08. Review status: criteria provided, single submitter. Criteria: Quest Diagnostics criteria. Collection method: clinical testing. Allele origin: germline.

PreventionGenetics, part of Exact Sciences
Classification: Likely benign for POLD1-related condition. Last evaluated: 2022-03-10. Review status: no assertion criteria provided. Collection method: clinical testing. Allele origin: germline. Not counted in ClinVar's aggregate classification.
Comment: This variant is classified as likely benign based on ACMG/AMP sequence variant interpretation guidelines (Richards et al. 2015 PMID: 25741868, with internal and published modifications).

Clinical Genetics, Academic Medical Center
Classification: Likely benign. Review status: no assertion criteria provided. Collection method: clinical testing. Allele origin: germline. Affected: yes. Study: VKGL Data-share Consensus. Not counted in ClinVar's aggregate classification.

Department of Pathology and Laboratory Medicine, Sinai Health System
Classification: Uncertain significance for Malignant tumor of breast. Review status: no assertion criteria provided. Collection method: clinical testing. Allele origin: unknown. Affected: yes. Study: The Canadian Open Genetics Repository (COGR). Not counted in ClinVar's aggregate classification.
Comment: The POLD1 p.Val867Ile variant was not identified in the literature. The variant was identified in dbSNP (rs367680864) as â€šÃ„Ãºwith other alleleâ€šÃ„Ã¹ and ClinVar (classified as likely benign by Invitae and GeneDx; and as uncertain significance by PreventionGenetics and Quest Diagnostics). The variant was identified in control databases in 122 of 249,266 chromosomes (1 homozygous) at a frequency of 0.0005 (Genome Aggregation Database Feb 27, 2017). The variant was observed in the following populations: South Asian in 110 of 30,598 chromosomes (freq: 0.004, increasing the likelihood this could be a low frequency benign variant), Other in 4 of 6110 chromosomes (freq: 0.0007), and European in 8 of 112,218 chromosomes (freq: 0.00007), while it was not observed in the African, Latino, Ashkenazi Jewish, East Asian or Finnish populations. The p.Val867 residue is conserved in mammals but not in more distantly related organisms however four out of five computational analyses (PolyPhen-2, SIFT, AlignGVGD, BLOSUM, MutationTaster) do not suggest a high likelihood of impact to the protein; this information is not predictive enough to rule out pathogenicity. The variant occurs outside of the splicing consensus sequence and in silico or computational prediction software programs (SpliceSiteFinder, MaxEntScan, NNSPLICE, GeneSplicer) do not predict a difference in splicing. In summary, based on the above information, the clinical significance of this variant cannot be determined with certainty at this time. This variant is classified as a variant of uncertain significance.

Genome Diagnostics Laboratory, Amsterdam University Medical Center
Classification: Likely benign. Review status: no assertion criteria provided. Collection method: clinical testing. Allele origin: germline. Affected: yes. Study: VKGL Data-share Consensus. Not counted in ClinVar's aggregate classification.